The following is an entry in ClinVar:

ClinVar aggregate classification (germline): Benign/Likely benign. Review status: criteria provided, multiple submitters, no conflicts (2 of 4 stars). 2 submissions from 2 submitters: Benign (1); Likely benign (1). Last evaluated 2024-11-19.

Allele frequency attached by ClinVar (database versions not stated): ESP Exome Variant Server 0.00008; gnomAD exomes 0.00028; gnomAD 0.00034; TOPMed 0.00048; ExAC 0.00088; 1000 Genomes Project 30x 0.00094; 1000 Genomes Project 0.00100.
gnomAD v4.1: 472 of 1,610,798 alleles (0.029%); highest among the groups gnomAD compares: East Asian, 0.55%; 2 homozygotes.

Submissions (2):

Blueprint Genetics
Classification: Likely benign. Last evaluated: 2024-11-19. Review status: criteria provided, single submitter. Criteria: ACMG Guidelines, 2015. Collection method: clinical testing. Allele origin: germline.

CeGaT Center for Human Genetics Tuebingen
Classification: Benign. Last evaluated: 2023-02-01. Review status: criteria provided, single submitter. Criteria: CeGaT Center For Human Genetics Tuebingen Variant Classification Criteria Version 2. Collection method: clinical testing. Allele origin: germline. Affected: yes. Observed: 1 variant allele.
Comment: CNTN6: BP4, BS1, BS2

NM_001289080.2(CNTN6):c.2952C>T (p.Ser984=)

Gene: CNTN6 (contactin 6; plus strand). Cytogenetic location: 3p26.3.
Variant type: single nucleotide variant.
Coding change: c.2952C>T on transcript NM_001289080.2 (MANE Select); coding-DNA position 2952, C replaced by T.
Protein change: p.Ser984=; no amino-acid change (serine 984 retained).
Molecular consequence: synonymous variant.
Genome position (GRCh38, 1-based): chr3:1,402,452, C>T. VCF-style: chr3-1402452-C-T. GRCh37 (hg19) VCF-style: chr3-1444136-C-T.
Other names: c.2952C>T, p.Ser984= (NM_001349354.2, NM_001349355.2, NM_014461.4 and 4 more transcripts); c.2844C>T, p.Ser948= (NM_001349356.2); c.2640C>T, p.Ser880= (NM_001349357.2); c.2397C>T, p.Ser799= (NM_001349358.2); c.1830C>T, p.Ser610= (NM_001349359.2, NM_001349360.2, NM_001349361.2 and 1 more transcripts); c.2736C>T, p.Ser912= (NM_001289081.2).
Identifiers: ClinVar variation 2653442 (VCV002653442.25), dbSNP rs144353179, ClinGen allele CA2226785.